The following is an entry in ClinVar:

ClinVar aggregate classification (germline): Likely benign. Review status: criteria provided, multiple submitters, no conflicts (2 of 4 stars). 3 submissions from 3 submitters: Likely benign (2). 1 of the submissions does not count toward it. Last evaluated 2025-10-01.

Conditions:
CREBBP-related disorder. Also called: CREBBP-related disorders; CREBBP-related condition.
Rubinstein-Taybi syndrome (RSTS). Identifiers: Orphanet 783, MedGen C0035934, MONDO:0019188.

Allele frequency attached by ClinVar (database versions not stated): ExAC 0.00001; TOPMed 0.00002.
gnomAD v4.1: 39 of 1,614,176 alleles (0.0024%); highest among the groups gnomAD compares: Non-Finnish European, 0.0032%; no homozygotes.

Submissions (3):

CeGaT Center for Human Genetics Tuebingen
Classification: Likely benign. Last evaluated: 2025-10-01. Review status: criteria provided, single submitter. Criteria: CeGaT Center For Human Genetics Tuebingen Variant Classification Criteria Version 2. Collection method: clinical testing. Allele origin: germline. Affected: yes. Observed: 2 variant alleles.
Comment: CREBBP: BP4, BP7

Labcorp Genetics (formerly Invitae), Labcorp
Classification: Likely benign for Rubinstein-Taybi syndrome. Last evaluated: 2025-10-01. Review status: criteria provided, single submitter. Criteria: Invitae Variant Classification Sherloc (09022015). Collection method: clinical testing. Allele origin: germline.

PreventionGenetics, part of Exact Sciences
Classification: Likely benign for CREBBP-related condition. Last evaluated: 2023-04-10. Review status: no assertion criteria provided. Collection method: clinical testing. Allele origin: germline. Not counted in ClinVar's aggregate classification.
Comment: This variant is classified as likely benign based on ACMG/AMP sequence variant interpretation guidelines (Richards et al. 2015 PMID: 25741868, with internal and published modifications).

NM_004380.3(CREBBP):c.1092T>C (p.Ala364=)

Gene: CREBBP (CREB binding lysine acetyltransferase; minus strand). Cytogenetic location: 16p13.3.
Variant type: single nucleotide variant.
Coding change: c.1092T>C on transcript NM_004380.3 (MANE Select); coding-DNA position 1092, T replaced by C.
Protein change: p.Ala364=; no amino-acid change (alanine 364 retained).
Molecular consequence: synonymous variant.
Genome position (GRCh38, 1-based): chr16:3,793,510, A>G on the plus strand (T>C on the coding strand, the complement: CREBBP is on the minus strand). VCF-style: chr16-3793510-A-G. GRCh37 (hg19) VCF-style: chr16-3843511-A-G.
Other names: c.1092T>C (NM_004380.2); c.1092T>C, p.Ala364= (NM_001079846.1).
Identifiers: ClinVar variation 2731967 (VCV002731967.24), dbSNP rs768721303, ClinGen allele CA7870514.